The following is an entry in ClinVar:

ClinVar aggregate classification (germline): Uncertain significance (1 of 4 stars; one submission).

gnomAD v4.1: 3 of 1,614,192 alleles (0.00019%); highest among the groups gnomAD compares: Non-Finnish European, 0.00025%; no homozygotes.

Submission:

Labcorp Genetics (formerly Invitae), Labcorp
Classification: Uncertain significance. Last evaluated: 2025-12-22. Review status: criteria provided, single submitter. Criteria: Invitae Variant Classification Sherloc (09022015). Collection method: clinical testing. Allele origin: germline.
Comment: This sequence change replaces asparagine, which is neutral and polar, with aspartic acid, which is acidic and polar, at codon 117 of the WNT2B protein (p.Asn117Asp). This variant is not present in population databases (gnomAD no frequency). This variant has not been reported in the literature in individuals affected with WNT2B-related conditions. An algorithm developed to predict the effect of missense changes on protein structure and function (PolyPhen-2) suggests that this variant is likely to be disruptive. In summary, the available evidence is currently insufficient to determine the role of this variant in disease. Therefore, it has been classified as a Variant of Uncertain Significance.

NM_024494.3(WNT2B):c.349A>G (p.Asn117Asp)

Gene: WNT2B (Wnt family member 2B; plus strand). Cytogenetic location: 1p13.2.
Variant type: single nucleotide variant.
Coding change: c.349A>G on transcript NM_024494.3 (MANE Select); coding-DNA position 349, A replaced by G.
Protein change: p.Asn117Asp; replaces asparagine 117 with aspartic acid.
Molecular consequence: missense variant.
Genome position (GRCh38, 1-based): chr1:112,515,040, A>G. VCF-style: chr1-112515040-A-G. GRCh37 (hg19) VCF-style: chr1-113057662-A-G.
Other names: c.73A>G, p.Asn25Asp (NM_001291880.1); c.292A>G, p.Asn98Asp (NM_004185.4); short protein forms N117D, N25D, N98D.
Identifiers: ClinVar variation 4710680 (VCV004710680.1).